The following is an entry in ClinVar:

ClinVar aggregate classification (germline): Likely benign (1 of 4 stars; one submission).

Allele frequency attached by ClinVar (database versions not stated): gnomAD exomes below 0.00001; TOPMed below 0.00001; gnomAD 0.00001.
gnomAD v4.1: 2 of 1,261,672 alleles (0.00016%); highest among the groups gnomAD compares: Non-Finnish European, 0.0002%; no homozygotes.

Submission:

GeneDx
Classification: Likely benign. Last evaluated: 2021-08-25. Review status: criteria provided, single submitter. Criteria: GeneDx Variant Classification Process June 2021. Collection method: clinical testing. Allele origin: germline. Affected: yes.
Comment: Not observed at significant frequency in large population cohorts (Lek et al., 2016); In silico analysis supports that this missense variant does not alter protein structure/function; Has not been previously published as pathogenic or benign to our knowledge; This variant is associated with the following publications: (PMID: 27535533)

NM_003070.5(SMARCA2):c.902C>T (p.Ala301Val)

Gene: SMARCA2 (SWI/SNF related BAF chromatin remodeling complex subunit ATPase 2; plus strand). Cytogenetic location: 9p24.3.
Variant type: single nucleotide variant.
Coding change: c.902C>T on transcript NM_003070.5 (MANE Select); coding-DNA position 902, C replaced by T.
Protein change: p.Ala301Val; replaces alanine 301 with valine.
Molecular consequence: missense variant.
Genome position (GRCh38, 1-based): chr9:2,047,340, C>T. VCF-style: chr9-2047340-C-T. GRCh37 (hg19) VCF-style: chr9-2047340-C-T.
Other names: c.902C>T, p.Ala301Val (NM_001289396.2, NM_001289397.2, NM_139045.4); short protein forms A301V.
Identifiers: ClinVar variation 1254900 (VCV001254900.2), dbSNP rs1201671363, ClinGen allele CA372780917.